The following is an entry in ClinVar:

NM_005055.5(RAPSN):c.781G>A (p.Asp261Asn)

Gene: RAPSN (receptor associated protein of the synapse; minus strand). Cytogenetic location: 11p11.2.
Variant type: single nucleotide variant.
Coding change: c.781G>A on transcript NM_005055.5 (MANE Select); coding-DNA position 781, G replaced by A.
Protein change: p.Asp261Asn; replaces aspartic acid 261 with asparagine.
Molecular consequence: missense variant.
Genome position (GRCh38, 1-based): chr11:47,441,831, C>T on the plus strand (G>A on the coding strand, the complement: RAPSN is on the minus strand). VCF-style: chr11-47441831-C-T. GRCh37 (hg19) VCF-style: chr11-47463383-C-T.
Other names: c.781G>A, p.Asp261Asn (NM_032645.5); short protein forms D261N.
Identifiers: ClinVar variation 304974 (VCV000304974.10), dbSNP rs762865029, ClinGen allele CA5976641.

ClinVar aggregate classification (germline): Uncertain significance. Review status: criteria provided, multiple submitters, no conflicts (2 of 4 stars). 4 submissions from 3 submitters: Uncertain significance (4). Last evaluated 2024-09-23.

Conditions:
Congenital myasthenic syndrome 11. Also called: MYASTHENIC SYNDROME, CONGENITAL, Ie; Myasthenic syndrome, congenital, 11, associated with acetylcholine receptor deficiency. Identifiers: Orphanet 590, MedGen C4225367, MONDO:0014588, OMIM 616326.
Fetal akinesia deformation sequence 1 (FADS1). Also called: Pena-Shokeir syndrome type I; Fetal akinesia sequence. Identifiers: Orphanet 994, MedGen C1276035, MONDO:0100101, OMIM 208150, HP:0001989.

Allele frequency attached by ClinVar (database versions not stated): gnomAD 0.00001; TOPMed 0.00001; gnomAD exomes 0.00002 and 0.00005; ExAC 0.00008.

Submissions (4):

Labcorp Genetics (formerly Invitae), Labcorp
Classification: Uncertain significance for Congenital myasthenic syndrome 11; Fetal akinesia deformation sequence 1. Last evaluated: 2024-09-23. Review status: criteria provided, single submitter. Criteria: Invitae Variant Classification Sherloc (09022015). Collection method: clinical testing. Allele origin: germline.
Comment: This sequence change replaces aspartic acid, which is acidic and polar, with asparagine, which is neutral and polar, at codon 261 of the RAPSN protein (p.Asp261Asn). This variant is present in population databases (rs762865029, gnomAD 0.01%). This variant has not been reported in the literature in individuals affected with RAPSN-related conditions. ClinVar contains an entry for this variant (Variation ID: 304974). Invitae Evidence Modeling of protein sequence and biophysical properties (such as structural, functional, and spatial information, amino acid conservation, physicochemical variation, residue mobility, and thermodynamic stability) indicates that this missense variant is not expected to disrupt RAPSN protein function with a negative predictive value of 80%. In summary, the available evidence is currently insufficient to determine the role of this variant in disease. Therefore, it has been classified as a Variant of Uncertain Significance.

Revvity Omics, Revvity
Classification: Uncertain significance. Last evaluated: 2023-05-17. Review status: criteria provided, single submitter. Criteria: ACMG Guidelines, 2015. Collection method: clinical testing. Allele origin: germline.

Illumina Laboratory Services, Illumina
Classification: Uncertain significance for Fetal akinesia deformation sequence 1. Last evaluated: 2018-01-12. Review status: criteria provided, single submitter. Criteria: ICSL Variant Classification Criteria 13 December 2019. Collection method: clinical testing. Allele origin: germline.

Illumina Laboratory Services, Illumina
Classification: Uncertain significance for Congenital myasthenic syndrome 11. Last evaluated: 2018-01-12. Review status: criteria provided, single submitter. Criteria: ICSL Variant Classification Criteria 13 December 2019. Collection method: clinical testing. Allele origin: germline.